The following is an entry in ClinVar:

NM_030786.3(SYNC):c.1012G>A (p.Asp338Asn)

Gene: SYNC (syncoilin, intermediate filament protein; minus strand). Cytogenetic location: 1p35.1.
Variant type: single nucleotide variant.
Coding change: c.1012G>A on transcript NM_030786.3 (MANE Select); coding-DNA position 1012, G replaced by A.
Protein change: p.Asp338Asn; replaces aspartic acid 338 with asparagine.
Molecular consequence: missense variant.
Genome position (GRCh38, 1-based): chr1:32,695,086, C>T on the plus strand (G>A on the coding strand, the complement: SYNC is on the minus strand). VCF-style: chr1-32695086-C-T. GRCh37 (hg19) VCF-style: chr1-33160687-C-T.
Other names: c.1012G>A, p.Asp338Asn (NM_001161708.2); short protein forms D338N.
Identifiers: ClinVar variation 3049054 (VCV003049054.2), dbSNP rs564899220, ClinGen allele CA743875.
Genomic context (GRCh38, chr1:32,695,086, plus strand): 5'-TCCCAGCTTCTTTCCTCTCTAGGAGCCGCAGGAACTGAGGCTCATACTCCTCCTCCAGGT[C>T]CTGGCGGCTCTCTGCCATGAGATTTTCAAACTGGGCAGAGAGTCGCCGGCTTTCCTGGAG-3'
Protein context (NP_110413.3, residues 328-348): FENLMAESRQ[Asp338Asn]LEEEYEPQFL

ClinVar aggregate classification (germline): Likely benign (0 of 4 stars; one submission).

Conditions:
SYNC-related disorder. Also called: SYNC-related condition.

Allele frequency attached by ClinVar (database versions not stated): TOPMed 0.00014; gnomAD 0.00021; gnomAD exomes 0.00035; 1000 Genomes Project 30x 0.00062; ExAC 0.00068; 1000 Genomes Project 0.00080.

Submission:

PreventionGenetics, part of Exact Sciences
Classification: Likely benign for SYNC-related condition. Last evaluated: 2023-01-12. Review status: no assertion criteria provided. Collection method: clinical testing. Allele origin: germline.
Comment: This variant is classified as likely benign based on ACMG/AMP sequence variant interpretation guidelines (Richards et al. 2015 PMID: 25741868, with internal and published modifications).